The following is an entry in ClinVar:

NM_001830.4(CLCN4):c.613C>A (p.Leu205Ile)

Gene: CLCN4 (chloride voltage-gated channel 4; plus strand). Cytogenetic location: Xp22.2.
Variant type: single nucleotide variant.
Coding change: c.613C>A on transcript NM_001830.4 (MANE Select); coding-DNA position 613, C replaced by A.
Protein change: p.Leu205Ile; replaces leucine 205 with isoleucine.
Molecular consequence: missense variant.
Genome position (GRCh38, 1-based): chrX:10,206,415, C>A. VCF-style: chrX-10206415-C-A. GRCh37 (hg19) VCF-style: chrX-10174455-C-A.
Other names: c.331C>A, p.Leu111Ile (NM_001256944.2); short protein forms L111I, L205I.
Identifiers: ClinVar variation 1210833 (VCV001210833.3), dbSNP rs2147178475, ClinGen allele CA412036515.
Genomic context (GRCh38, chrX:10,206,415, plus strand): 5'-CAGATAAAGACCATTTTGAGCGGCTTTATCATCAGGGGCTACTTGGGGAAGTGGACCCTG[C>A]TAATCAAGACAGTCACGCTGGTGCTGGTAGTGTCCTCCGGTCTGAGCCTTGGGAAGGAAG-3'
Protein context (NP_001821.2, residues 195-215): IRGYLGKWTL[Leu205Ile]IKTVTLVLVV

ClinVar aggregate classification (germline): Likely benign (1 of 4 stars; one submission).

Submission:

GeneDx
Classification: Likely benign. Last evaluated: 2019-07-16. Review status: criteria provided, single submitter. Criteria: GeneDx Variant Classification Process June 2021. Collection method: clinical testing. Allele origin: germline. Affected: yes.
Comment: Has not been previously published as pathogenic or benign to our knowledge; In silico analysis, which includes protein predictors and evolutionary conservation, supports that this variant does not alter protein structure/function; Not observed in large population cohorts (Lek et al., 2016)